The following is an entry in ClinVar:

NM_201548.5(CERKL):c.374G>A (p.Cys125Tyr)

Gene: CERKL (CERK like autophagy regulator; minus strand). Cytogenetic location: 2q31.3.
Variant type: single nucleotide variant.
Coding change: c.374G>A on transcript NM_201548.5 (MANE Select); coding-DNA position 374, G replaced by A.
Protein change: p.Cys125Tyr; replaces cysteine 125 with tyrosine.
Molecular consequence: missense variant. On other transcripts: non-coding transcript variant (2).
Genome position (GRCh38, 1-based): chr2:181,603,944, C>T on the plus strand (G>A on the coding strand, the complement: CERKL is on the minus strand). VCF-style: chr2-181603944-C-T. GRCh37 (hg19) VCF-style: chr2-182468671-C-T.
Other names: c.374G>A, p.Cys125Tyr (NM_001030311.3, NM_001030312.3, NM_001030313.3 and 3 more transcripts); short protein forms C125Y.
Identifiers: ClinVar variation 2708170 (VCV002708170.3), dbSNP rs779804099, ClinGen allele CA349730351.

ClinVar aggregate classification (germline): Uncertain significance (1 of 4 stars; one submission).

gnomAD v4.1: 1 of 1,613,018 alleles (0.000062%); highest among the groups gnomAD compares: African/African-American, 0.0013%; no homozygotes.

Submission:

Labcorp Genetics (formerly Invitae), Labcorp
Classification: Uncertain significance. Last evaluated: 2023-07-10. Review status: criteria provided, single submitter. Criteria: Invitae Variant Classification Sherloc (09022015). Collection method: clinical testing. Allele origin: germline.
Comment: In summary, the available evidence is currently insufficient to determine the role of this variant in disease. Therefore, it has been classified as a Variant of Uncertain Significance. This variant disrupts the p.Cys125 amino acid residue in CERKL. Other variant(s) that disrupt this residue have been determined to be pathogenic (PMID: 20554613, 24498393, 29068140; Invitae). This suggests that this residue is clinically significant, and that variants that disrupt this residue are likely to be disease-causing. Advanced modeling of protein sequence and biophysical properties (such as structural, functional, and spatial information, amino acid conservation, physicochemical variation, residue mobility, and thermodynamic stability) performed at Invitae indicates that this missense variant is not expected to disrupt CERKL protein function. This variant has not been reported in the literature in individuals affected with CERKL-related conditions. This variant is not present in population databases (gnomAD no frequency). This sequence change replaces cysteine, which is neutral and slightly polar, with tyrosine, which is neutral and polar, at codon 125 of the CERKL protein (p.Cys125Tyr).

Literature cited by the submitters: PubMed 20554613; PubMed 24498393; PubMed 29068140.